The following is an entry in ClinVar:

ClinVar aggregate classification (germline): Uncertain significance (1 of 4 stars; one submission).

Submission:

Labcorp Genetics (formerly Invitae), Labcorp
Classification: Uncertain significance. Last evaluated: 2024-10-25. Review status: criteria provided, single submitter. Criteria: Invitae Variant Classification Sherloc (09022015). Collection method: clinical testing. Allele origin: germline.
Comment: This sequence change replaces aspartic acid, which is acidic and polar, with glycine, which is neutral and non-polar, at codon 65 of the TNFRSF11A protein (p.Asp65Gly). This variant is not present in population databases (gnomAD no frequency). This variant has not been reported in the literature in individuals affected with TNFRSF11A-related conditions. ClinVar contains an entry for this variant (Variation ID: 1515700). Invitae Evidence Modeling of protein sequence and biophysical properties (such as structural, functional, and spatial information, amino acid conservation, physicochemical variation, residue mobility, and thermodynamic stability) indicates that this missense variant is not expected to disrupt TNFRSF11A protein function with a negative predictive value of 80%. In summary, the available evidence is currently insufficient to determine the role of this variant in disease. Therefore, it has been classified as a Variant of Uncertain Significance.

NM_003839.4(TNFRSF11A):c.194A>G (p.Asp65Gly)

Gene: TNFRSF11A (TNF receptor superfamily member 11a; plus strand). Cytogenetic location: 18q21.33.
Variant type: single nucleotide variant.
Coding change: c.194A>G on transcript NM_003839.4 (MANE Select); coding-DNA position 194, A replaced by G.
Protein change: p.Asp65Gly; replaces aspartic acid 65 with glycine.
Molecular consequence: missense variant.
Genome position (GRCh38, 1-based): chr18:62,349,848, A>G. VCF-style: chr18-62349848-A-G. GRCh37 (hg19) VCF-style: chr18-60017081-A-G.
Other names: c.194A>G, p.Asp65Gly (NM_001270949.2, NM_001270950.2, NM_001270951.2 and 1 more transcripts); short protein forms D65G.
Identifiers: ClinVar variation 1515700 (VCV001515700.8), dbSNP rs2145294776, ClinGen allele CA402610447.